The following is an entry in ClinVar:

ClinVar aggregate classification (germline): Likely benign. Review status: criteria provided, multiple submitters, no conflicts (2 of 4 stars). 3 submissions from 3 submitters: Likely benign (2). 1 of the submissions does not count toward it. Last evaluated 2026-04-30.

Conditions:
ALK-related disorder. Also called: ALK-related condition.
Hereditary cancer-predisposing syndrome. Also called: Neoplastic Syndromes, Hereditary; Hereditary neoplastic syndrome; Hereditary Cancer Syndrome; Tumor predisposition. Identifiers: Orphanet 140162, MedGen C0027672, MeSH D009386, MONDO:0015356.
Neuroblastoma, susceptibility to, 3. Also called: ALK-Related Neuroblastic Tumor Susceptibility. Identifiers: Orphanet 635, MedGen C2751681, MONDO:0013083, OMIM 613014.

Allele frequency attached by ClinVar (database versions not stated): TOPMed 0.00005; gnomAD 0.00003; 1000 Genomes Project 0.00020; 1000 Genomes Project 30x 0.00031.
gnomAD v4.1: 124 of 1,614,156 alleles (0.0077%); highest among the groups gnomAD compares: Non-Finnish European, 0.01%; no homozygotes.

Submissions (3):

Ambry Genetics
Classification: Likely benign for Hereditary cancer-predisposing syndrome. Last evaluated: 2026-04-30. Review status: criteria provided, single submitter. Criteria: Ambry Variant Classification Scheme 2023. Collection method: clinical testing. Allele origin: germline.

Labcorp Genetics (formerly Invitae), Labcorp
Classification: Likely benign for Neuroblastoma, susceptibility to, 3. Last evaluated: 2025-12-20. Review status: criteria provided, single submitter. Criteria: Invitae Variant Classification Sherloc (09022015). Collection method: clinical testing. Allele origin: germline.

PreventionGenetics, part of Exact Sciences
Classification: Likely benign for ALK-related condition. Last evaluated: 2022-01-18. Review status: no assertion criteria provided. Collection method: clinical testing. Allele origin: germline. Not counted in ClinVar's aggregate classification.
Comment: This variant is classified as likely benign based on ACMG/AMP sequence variant interpretation guidelines (Richards et al. 2015 PMID: 25741868, with internal and published modifications).

NM_004304.5(ALK):c.4194G>A (p.Pro1398=)

Gene: ALK (ALK receptor tyrosine kinase; minus strand). Cytogenetic location: 2p23.2.
Variant type: single nucleotide variant.
Coding change: c.4194G>A on transcript NM_004304.5 (MANE Select); coding-DNA position 4194, G replaced by A.
Protein change: p.Pro1398=; no amino-acid change (proline 1398 retained).
Molecular consequence: synonymous variant.
Genome position (GRCh38, 1-based): chr2:29,193,893, C>T on the plus strand (G>A on the coding strand, the complement: ALK is on the minus strand). VCF-style: chr2-29193893-C-T. GRCh37 (hg19) VCF-style: chr2-29416759-C-T.
Other names: c.990G>A, p.Pro330= (NM_001353765.2).
Identifiers: ClinVar variation 697517 (VCV000697517.15), dbSNP rs201653228, ClinGen allele CA1593629.
Genomic context (GRCh38, chr2:29,193,893, plus strand): 5'-AGGGTCCTTGGGCCTCACAGGCACTTTCTCTTCCTCTTCCACAAGTGGACCATATTCTAT[C>T]GGCAAAGCGGTGTTGATTACATCCGGGTCCTGCCGTAGGGGAAATTATTAAAACTTTGAA-3'
Protein context (NP_004295.2, residues 1388-1408): QDPDVINTAL[Pro1398=]IEYGPLVEEE